The following is an entry in ClinVar:

ClinVar aggregate classification (germline): Benign/Likely benign. Review status: criteria provided, multiple submitters, no conflicts (2 of 4 stars). 3 submissions from 3 submitters: Benign (1); Likely benign (1). 1 of the submissions does not count toward it. Last evaluated 2026-01-28.

Conditions:
Usher syndrome type 1 (USH1). Also called: RETINITIS PIGMENTOSA AND CONGENITAL DEAFNESS. Identifiers: Orphanet 231169, Orphanet 886, MedGen C1568247, MONDO:0010168, OMIM 276900.
CDH23-related disorder. Also called: CDH23-related disorders; CDH23-related condition.

Allele frequency attached by ClinVar (database versions not stated): gnomAD 0.00001 and 0.00023; TOPMed 0.00002; gnomAD exomes 0.00077; ExAC 0.00078; 1000 Genomes Project 0.00160; 1000 Genomes Project 30x 0.00187.
gnomAD v4.1: 568 of 1,613,818 alleles (0.035%); highest among the groups gnomAD compares: South Asian, 0.59%; 9 homozygotes.

Submissions (3):

Labcorp Genetics (formerly Invitae), Labcorp
Classification: Benign. Last evaluated: 2026-01-28. Review status: criteria provided, single submitter. Criteria: Invitae Variant Classification Sherloc (09022015). Collection method: clinical testing. Allele origin: germline.

PreventionGenetics, part of Exact Sciences
Classification: Likely benign for CDH23-related condition. Last evaluated: 2024-11-06. Review status: criteria provided, single submitter. Criteria: ACMG Guidelines, 2015. Collection method: clinical testing. Allele origin: germline.
Comment: This variant is classified as likely benign based on ACMG/AMP sequence variant interpretation guidelines (Richards et al. 2015 PMID: 25741868, with internal and published modifications).

Natera, Inc.
Classification: Benign for Usher syndrome type 1. Last evaluated: 2020-04-15. Review status: no assertion criteria provided. Collection method: clinical testing. Allele origin: germline. Not counted in ClinVar's aggregate classification.

NM_022124.6(CDH23):c.2712G>A (p.Pro904=)

Gene: CDH23 (cadherin related 23; plus strand). Cytogenetic location: 10q22.1.
Variant type: single nucleotide variant.
Coding change: c.2712G>A on transcript NM_022124.6 (MANE Select); coding-DNA position 2712, G replaced by A.
Protein change: p.Pro904=; no amino-acid change (proline 904 retained).
Molecular consequence: synonymous variant.
Genome position (GRCh38, 1-based): chr10:71,702,673, G>A. VCF-style: chr10-71702673-G-A. GRCh37 (hg19) VCF-style: chr10-73462430-G-A.
Other names: c.2712G>A, p.Pro904= (NM_001171930.2, NM_001171931.2).
Identifiers: ClinVar variation 762793 (VCV000762793.13), dbSNP rs570110527, ClinGen allele CA5544300.
Genomic context (GRCh38, chr10:71,702,673, plus strand): 5'-TGACAATGACCCCACCTTTCAGAACCTGCCTTTTGTGGCCGAGGTGCTTGAAGGCATCCC[G>A]GCGGGGGTCTCCATCTACCAAGTGAGTCTCTATCATCTCATTCCTACCAGCCCAGAGGTG-3'
Protein context (NP_071407.4, residues 894-914): PFVAEVLEGI[Pro904=]AGVSIYQVVA